The following is an entry in ClinVar:

ClinVar aggregate classification (germline): Uncertain significance (1 of 4 stars; one submission).

Conditions:
Baller-Gerold syndrome (BGS). Also called: CRANIOSYNOSTOSIS WITH RADIAL DEFECTS. Identifiers: Orphanet 1225, MedGen C0265308, MONDO:0009039, OMIM 218600.

Submission:

Labcorp Genetics (formerly Invitae), Labcorp
Classification: Uncertain significance for Baller-Gerold syndrome. Last evaluated: 2025-11-03. Review status: criteria provided, single submitter. Criteria: Invitae Variant Classification Sherloc (09022015). Collection method: clinical testing. Allele origin: germline.
Comment: This variant, c.3457_3459del, results in the deletion of 1 amino acid(s) of the RECQL4 protein (p.Glu1153del), but otherwise preserves the integrity of the reading frame. This variant is present in population databases (rs780986647, gnomAD 0.02%). This variant has not been reported in the literature in individuals affected with RECQL4-related conditions. ClinVar contains an entry for this variant (Variation ID: 406968). Experimental studies and prediction algorithms are not available or were not evaluated, and the functional significance of this variant is currently unknown. In summary, the available evidence is currently insufficient to determine the role of this variant in disease. Therefore, it has been classified as a Variant of Uncertain Significance.

NM_004260.4(RECQL4):c.3454GAG[1] (p.Glu1153del)

Gene: RECQL4 (RecQ like helicase 4; minus strand). Cytogenetic location: 8q24.3.
Variant type: Microsatellite.
Coding change: c.3454GAG[1] on transcript NM_004260.4 (MANE Select); one copy of the 3-base unit GAG starting at c.3454; the reference has two copies in a row; one copy, 3 bases deleted.
Protein change: p.Glu1153del; deletes glutamic acid 1153.
Molecular consequence: inframe deletion.
Genome position (GRCh38, 1-based): chr8:144,511,724-144,511,726, CTC deleted on the plus strand (GAG on the coding strand, the reverse complement: RECQL4 is on the minus strand); deleting any 3 consecutive bases within chr8:144,511,724-144,511,729 gives the same sequence; the position shown is the placement nearest the transcript's 3' end. VCF-style (leftmost placement, unchanged base first): chr8-144511723-TCTC-T. GRCh37 (hg19) VCF-style: chr8-145737106-TCTC-T.
Other names: c.3457_3459delGAG (NM_004260.3); short protein forms E1153del.
Identifiers: ClinVar variation 406968 (VCV000406968.8), dbSNP rs780986647, ClinGen allele CA4947731.
Genomic context (GRCh38, chr8:144,511,723, plus strand): 5'-GGGCCTCCCAGGCCTCACCGATGCCGTGGAAGATGCGGGCCACAGCCCTGCTGGAGAACT[TCTC>T]CTCTGGCCTCAGGGACAGGAACTGGCGGATGTCGCAGCGGACCTGGTCCTCCCAATCCTG-3'